The following is an entry in ClinVar:

NM_006734.4(HIVEP2):c.4862A>G (p.Asp1621Gly)

Gene: HIVEP2 (HIVEP zinc finger 2; minus strand). Cytogenetic location: 6q24.2.
Variant type: single nucleotide variant.
Coding change: c.4862A>G on transcript NM_006734.4 (MANE Select); coding-DNA position 4862, A replaced by G.
Protein change: p.Asp1621Gly; replaces aspartic acid 1621 with glycine.
Molecular consequence: missense variant.
Genome position (GRCh38, 1-based): chr6:142,769,877, T>C on the plus strand (A>G on the coding strand, the complement: HIVEP2 is on the minus strand). VCF-style: chr6-142769877-T-C. GRCh37 (hg19) VCF-style: chr6-143091014-T-C.
Other names: c.4862A>G, p.Asp1621Gly (NM_001438449.1, NM_001438450.1, NM_001438451.1); short protein forms D1621G.
Identifiers: ClinVar variation 4742646 (VCV004742646.1).

ClinVar aggregate classification (germline): Uncertain significance (1 of 4 stars; one submission).

gnomAD v4.1: 1 of 1,613,896 alleles (0.000062%); highest among the groups gnomAD compares: Admixed American, 0.0017%; no homozygotes.

Submission:

Labcorp Genetics (formerly Invitae), Labcorp
Classification: Uncertain significance. Last evaluated: 2025-12-05. Review status: criteria provided, single submitter. Criteria: Invitae Variant Classification Sherloc (09022015). Collection method: clinical testing. Allele origin: germline.
Comment: This sequence change replaces aspartic acid, which is acidic and polar, with glycine, which is neutral and non-polar, at codon 1621 of the HIVEP2 protein (p.Asp1621Gly). This variant is not present in population databases (gnomAD no frequency). This variant has not been reported in the literature in individuals affected with HIVEP2-related conditions. Invitae Evidence Modeling of protein sequence and biophysical properties (such as structural, functional, and spatial information, amino acid conservation, physicochemical variation, residue mobility, and thermodynamic stability) indicates that this missense variant is not expected to disrupt HIVEP2 protein function with a negative predictive value of 80%. In summary, the available evidence is currently insufficient to determine the role of this variant in disease. Therefore, it has been classified as a Variant of Uncertain Significance.